The following is an entry in ClinVar:

NM_012401.4(PLXNB2):c.4129C>T (p.Leu1377=)

Gene: PLXNB2 (plexin B2; minus strand). Cytogenetic location: 22q13.33.
Variant type: single nucleotide variant.
Coding change: c.4129C>T on transcript NM_012401.4 (MANE Select); coding-DNA position 4129, C replaced by T.
Protein change: p.Leu1377=; no amino-acid change (leucine 1377 retained).
Molecular consequence: synonymous variant.
Genome position (GRCh38, 1-based): chr22:50,280,535, G>A on the plus strand (C>T on the coding strand, the complement: PLXNB2 is on the minus strand). VCF-style: chr22-50280535-G-A. GRCh37 (hg19) VCF-style: chr22-50718964-G-A.
Other names: c.4366C>T, p.Leu1456= (NM_001376864.1); c.4198C>T, p.Leu1400= (NM_001376865.1); c.4129C>T, p.Leu1377= (NM_001376866.1, NM_001376867.1, NM_001376868.1 and 16 more transcripts); c.4105C>T, p.Leu1369= (NM_001376883.1); c.4036C>T, p.Leu1346= (NM_001376886.1).
Identifiers: ClinVar variation 4084654 (VCV004084654.8).

ClinVar aggregate classification (germline): Likely benign (1 of 4 stars; one submission).

gnomAD v4.1: 1 of 1,611,750 alleles (0.000062%); highest among the groups gnomAD compares: Non-Finnish European, 0.000085%; no homozygotes.

Submission:

CeGaT Center for Human Genetics Tuebingen
Classification: Likely benign. Last evaluated: 2025-06-01. Review status: criteria provided, single submitter. Criteria: CeGaT Center For Human Genetics Tuebingen Variant Classification Criteria Version 2. Collection method: clinical testing. Allele origin: germline. Affected: yes. Observed: 1 variant allele.
Comment: PLXNB2: BP4, BP7